The following is an entry in ClinVar:

ClinVar aggregate classification (germline): Conflicting classifications of pathogenicity. Review status: criteria provided, conflicting classifications (1 of 4 stars). 6 submissions from 6 submitters: Uncertain significance (2); Benign (1); Likely benign (1). 2 of the submissions do not count toward it. Last evaluated 2025-12-09.

Conditions:
Cardiovascular phenotype. Identifiers: MedGen CN230736.
Familial long QT syndrome (RWS). Also called: Congenital long QT syndrome; Romano-Ward syndrome; VENTRICULAR FIBRILLATION WITH PROLONGED QT INTERVAL. Identifiers: Orphanet 768, MedGen C1141890, MONDO:0019171.
Atrial fibrillation, familial, 4 (ATFB4). Identifiers: MedGen C1862394, MONDO:0012677, OMIM 611493.
Long QT syndrome 6 (LQT6). Identifiers: Orphanet 101016, Orphanet 768, MedGen C3150953, MONDO:0013370, OMIM 613693.
Long QT syndrome (LQTS). Identifiers: MedGen C0023976, MeSH D008133, MONDO:0002442. Disease mechanism: loss of function. Inheritance: Various modes of inheritance.

Allele frequency attached by ClinVar (database versions not stated): gnomAD exomes 0.00006 and 0.00002; 1000 Genomes Project 30x 0.00016; 1000 Genomes Project 0.00020; gnomAD 0.00023 and 0.00025; ESP Exome Variant Server 0.00008; ExAC 0.00008; TOPMed 0.00028.

Submissions (6):

Labcorp Genetics (formerly Invitae), Labcorp
Classification: Likely benign for Long QT syndrome 6. Last evaluated: 2025-12-09. Review status: criteria provided, single submitter. Criteria: Invitae Variant Classification Sherloc (09022015). Collection method: clinical testing. Allele origin: germline.

Ambry Genetics
Classification: Benign for Cardiovascular phenotype. Last evaluated: 2023-10-13. Review status: criteria provided, single submitter. Criteria: Ambry Variant Classification Scheme 2023. Collection method: clinical testing. Allele origin: germline.

New York Genome Center
Classification: Uncertain significance for Atrial fibrillation, familial, 4; Long QT syndrome 6. Last evaluated: 2021-10-05. Review status: criteria provided, single submitter. Criteria: NYGC Assertion Criteria 2020. Collection method: clinical testing. Allele origin: germline. Observed: 1 heterozygote.

Stanford Center for Inherited Cardiovascular Disease, Stanford University
Classification: Uncertain significance. Last evaluated: 2017-04-21. Review status: criteria provided, single submitter. Criteria: ACMG Guidelines, 2015. Collection method: provider interpretation. Allele origin: germline.

CSER _CC_NCGL, University of Washington
Classification: Uncertain significance for Long QT syndrome. Last evaluated: 2014-06-01. Review status: no assertion criteria provided. Collection method: research. Allele origin: germline. Inheritance: Autosomal dominant inheritance. Study: ESP 6500 variant annotation. Not counted in ClinVar's aggregate classification.
Comment: Variants classified for the Actionable exomic incidental findings in 6503 participants: challenges of variant classification manuscript

Cardiovascular Biomedical Research Unit, Royal Brompton & Harefield NHS Foundation Trust
No classification provided. Condition: Familial long QT syndrome. Review status: no classification provided. Collection method: literature only. Allele origin: germline. Not counted in ClinVar's aggregate classification.
Comment: This variant has been reported as associated with Long QT syndrome in the following publications (PMID:19716085). This is a literature report, and does not necessarily reflect the clinical interpretation of the Imperial College / Royal Brompton Cardiovascular Genetics laboratory.

Literature cited by the submitters: PubMed 19716085 (cited by Ambry Genetics and Cardiovascular Biomedical Research Unit, Royal Brompton & Harefield NHS Foundation Trust); PubMed 24055113 (cited by Ambry Genetics); PubMed 25637381 (cited by Ambry Genetics); PubMed 27465075 (cited by Ambry Genetics); PubMed 30847666 (cited by Ambry Genetics); PubMed 22581653 (cited by Cardiovascular Biomedical Research Unit, Royal Brompton & Harefield NHS Foundation Trust).

NM_172201.2(KCNE2):c.80G>A (p.Arg27His)

Genes: KCNE2 (potassium voltage-gated channel subfamily E regulatory subunit 2; plus strand), LOC105372791 (uncharacterized LOC105372791; minus strand). Cytogenetic location: 21q22.11.
Variant type: single nucleotide variant.
Coding change: c.80G>A on transcript NM_172201.2 (MANE Select); coding-DNA position 80, G replaced by A.
Protein change: p.Arg27His; replaces arginine 27 with histidine.
Molecular consequence: missense variant.
Genome position (GRCh38, 1-based): chr21:34,370,558, G>A. VCF-style: chr21-34370558-G-A. GRCh37 (hg19) VCF-style: chr21-35742857-G-A.
Other names: c.80G>A (LRG_291t1); short protein forms R27H.
Identifiers: ClinVar variation 67623 (VCV000067623.17), dbSNP rs148968498, ClinGen allele CA211459.
Genomic context (GRCh38, chr21:34,370,558, plus strand): 5'-TCACACAGACGCTGGAAGACGTCTTCCGAAGGATTTTTATTACTTATATGGACAATTGGC[G>A]CCAGAACACAACAGCTGAGCAAGAGGCCCTCCAAGCCAAAGTTGATGCTGAGAACTTCTA-3'
Protein context (NP_751951.1, residues 17-37): RIFITYMDNW[Arg27His]QNTTAEQEAL